The following is an entry in ClinVar:

ClinVar aggregate classification (germline): Uncertain significance (1 of 4 stars; one submission).

Conditions:
PURA-related severe neonatal hypotonia-seizures-encephalopathy syndrome (NEDRIHF). Also called: PURA-Related Neurodevelopmental Disorders; NEURODEVELOPMENTAL DISORDER WITH NEONATAL RESPIRATORY INSUFFICIENCY, HYPOTONIA, AND FEEDING DIFFICULTIES. Identifiers: Orphanet 438213, Orphanet 438216, MedGen C4015357, MONDO:1060108, OMIM 616158, MONDO:0018580.

Submission:

Labcorp Genetics (formerly Invitae), Labcorp
Classification: Uncertain significance for PURA-related severe neonatal hypotonia-seizures-encephalopathy syndrome. Last evaluated: 2022-06-07. Review status: criteria provided, single submitter. Criteria: Invitae Variant Classification Sherloc (09022015). Collection method: clinical testing. Allele origin: germline.
Comment: This variant is not present in population databases (gnomAD no frequency). This variant has not been reported in the literature in individuals affected with PURA-related conditions. Algorithms developed to predict the effect of missense changes on protein structure and function are either unavailable or do not agree on the potential impact of this missense change (SIFT: "Tolerated"; PolyPhen-2: "Probably Damaging"; Align-GVGD: "Class C0"). In summary, the available evidence is currently insufficient to determine the role of this variant in disease. Therefore, it has been classified as a Variant of Uncertain Significance. This sequence change replaces alanine, which is neutral and non-polar, with valine, which is neutral and non-polar, at codon 290 of the PURA protein (p.Ala290Val).

NM_005859.5(PURA):c.869C>T (p.Ala290Val)

Gene: PURA (purine rich element binding protein A; plus strand). Cytogenetic location: 5q31.3.
Variant type: single nucleotide variant.
Coding change: c.869C>T on transcript NM_005859.5 (MANE Select); coding-DNA position 869, C replaced by T.
Protein change: p.Ala290Val; replaces alanine 290 with valine.
Molecular consequence: missense variant.
Genome position (GRCh38, 1-based): chr5:140,115,050, C>T. VCF-style: chr5-140115050-C-T. GRCh37 (hg19) VCF-style: chr5-139494635-C-T.
Other names: short protein forms A290V.
Identifiers: ClinVar variation 1961208 (VCV001961208.5), dbSNP rs2479506321, ClinGen allele CA361491740.
Genomic context (GRCh38, chr5:140,115,050, plus strand): 5'-CCTTCTGCAAGTACTCGGAGGAGATGAAGAAGATTCAAGAGAAGCAGAGGGAGAAGCGGG[C>T]TGCCTGTGAGCAGCTTCACCAGCAGCAACAGCAGCAGCAGGAGGAGACCGCCGCTGCCAC-3'
Protein context (NP_005850.1, residues 280-300): KIQEKQREKR[Ala290Val]ACEQLHQQQQ